The following is an entry in ClinVar:

ClinVar aggregate classification (germline): Uncertain significance (1 of 4 stars; one submission).

Submission:

GeneDx
Classification: Uncertain significance. Last evaluated: 2023-11-08. Review status: criteria provided, single submitter. Criteria: GeneDx Variant Classification Process June 2021. Collection method: clinical testing. Allele origin: germline. Affected: yes.
Comment: Not observed at significant frequency in large population cohorts (gnomAD); In silico analysis supports that this variant does not alter splicing; Has not been previously published as pathogenic or benign to our knowledge

NM_001379403.1(WDR26):c.723-10T>C

Gene: WDR26 (WD repeat domain 26; minus strand). Cytogenetic location: 1q42.12.
Variant type: single nucleotide variant.
Coding change: c.723-10T>C on transcript NM_001379403.1 (MANE Select); 10 bases into the intron before coding-DNA position 723, T replaced by C.
Molecular consequence: intron variant.
Genome position (GRCh38, 1-based): chr1:224,431,791, A>G on the plus strand (T>C on the coding strand, the complement: WDR26 is on the minus strand). VCF-style: chr1-224431791-A-G. GRCh37 (hg19) VCF-style: chr1-224619493-A-G.
Other names: c.423-10T>C (NM_001115113.3, NM_025160.7).
Identifiers: ClinVar variation 3363334 (VCV003363334.1).
Genomic context (GRCh38, chr1:224,431,791, plus strand): 5'-GGATGTTCTAAACGACATCCTGACTCTTGCATGAGGAGATCAACAGTCTGGCTGCAGGAA[A>G]GATACAGTGTAAAACAGACCTGACCAATTTTAGGGTTTTAATCCTTCAAATAAACTAATG-3'